The following is an entry in ClinVar:

ClinVar aggregate classification (germline): Uncertain significance. Review status: criteria provided, multiple submitters, no conflicts (2 of 4 stars). 2 submissions from 2 submitters: Uncertain significance (2). Last evaluated 2023-08-03.

Allele frequency attached by ClinVar (database versions not stated): ExAC 0.00002; gnomAD 0.00002; TOPMed 0.00002; 1000 Genomes Project 0.00020; 1000 Genomes Project 30x 0.00031.

Submissions (2):

Blueprint Genetics
Classification: Uncertain significance. Last evaluated: 2023-08-03. Review status: criteria provided, single submitter. Criteria: ACMG Guidelines, 2015. Collection method: clinical testing. Allele origin: germline.

Labcorp Genetics (formerly Invitae), Labcorp
Classification: Uncertain significance. Last evaluated: 2022-08-16. Review status: criteria provided, single submitter. Criteria: Invitae Variant Classification Sherloc (09022015). Collection method: clinical testing. Allele origin: germline.
Comment: This sequence change replaces arginine, which is basic and polar, with tryptophan, which is neutral and slightly polar, at codon 193 of the MLC1 protein (p.Arg193Trp). This variant is present in population databases (rs555304253, gnomAD 0.007%). This variant has not been reported in the literature in individuals affected with MLC1-related conditions. Algorithms developed to predict the effect of missense changes on protein structure and function (SIFT, PolyPhen-2, Align-GVGD) all suggest that this variant is likely to be disruptive. In summary, the available evidence is currently insufficient to determine the role of this variant in disease. Therefore, it has been classified as a Variant of Uncertain Significance.

NM_015166.4(MLC1):c.577C>T (p.Arg193Trp)

Gene: MLC1 (modulator of VRAC current 1; minus strand). Cytogenetic location: 22q13.33.
Variant type: single nucleotide variant.
Coding change: c.577C>T on transcript NM_015166.4 (MANE Select); coding-DNA position 577, C replaced by T.
Protein change: p.Arg193Trp; replaces arginine 193 with tryptophan.
Molecular consequence: missense variant. On other transcripts: non-coding transcript variant (3).
Genome position (GRCh38, 1-based): chr22:50,076,861, G>A on the plus strand (C>T on the coding strand, the complement: MLC1 is on the minus strand). VCF-style: chr22-50076861-G-A. GRCh37 (hg19) VCF-style: chr22-50515290-G-A.
Other names: c.577C>T, p.Arg193Trp (NM_001376472.1, NM_001376473.1, NM_001376474.1 and 6 more transcripts); c.487C>T, p.Arg163Trp (NM_001376480.1); c.475C>T, p.Arg159Trp (NM_001376481.1); c.421C>T, p.Arg141Trp (NM_001376482.1, NM_001376483.1); c.340C>T, p.Arg114Trp (NM_001376484.1); short protein forms R159W, R163W, R114W, R141W, R193W.
Identifiers: ClinVar variation 2198629 (VCV002198629.2), dbSNP rs555304253, ClinGen allele CA10303466.